The following is an entry in ClinVar:

NM_014171.6(CRIPT):c.46C>G (p.Pro16Ala)

Gene: CRIPT (CXXC repeat containing interactor of PDZ3 domain; plus strand). Cytogenetic location: 2p21.
Variant type: single nucleotide variant.
Coding change: c.46C>G on transcript NM_014171.6 (MANE Select); coding-DNA position 46, C replaced by G.
Protein change: p.Pro16Ala; replaces proline 16 with alanine.
Molecular consequence: missense variant.
Genome position (GRCh38, 1-based): chr2:46,618,802, C>G. VCF-style: chr2-46618802-C-G. GRCh37 (hg19) VCF-style: chr2-46845941-C-G.
Other names: short protein forms P16A.
Identifiers: ClinVar variation 2095880 (VCV002095880.1), dbSNP rs1268522123, ClinGen allele CA346700712.
Genomic context (GRCh38, chr2:46,618,802, plus strand): 5'-TAATTTTCCTTTTACTATCTTGTTCTAACAGGTGAAAAGAAACTTGGTACTGTTATCACT[C>G]CAGATACATGGAAAGATGGTGCTAGGAATACCACAGGTATTTCTTCTTTTAGAAAATAGG-3'
Protein context (NP_054890.1, residues 6-26): CEKKLGTVIT[Pro16Ala]DTWKDGARNT

ClinVar aggregate classification (germline): Uncertain significance (1 of 4 stars; one submission).

Allele frequency attached by ClinVar (database versions not stated): gnomAD 0.00003; TOPMed 0.00004.

Submission:

Labcorp Genetics (formerly Invitae), Labcorp
Classification: Uncertain significance. Last evaluated: 2022-10-19. Review status: criteria provided, single submitter. Criteria: Invitae Variant Classification Sherloc (09022015). Collection method: clinical testing. Allele origin: germline.
Comment: This sequence change replaces proline, which is neutral and non-polar, with alanine, which is neutral and non-polar, at codon 16 of the CRIPT protein (p.Pro16Ala). This variant is present in population databases (no rsID available, gnomAD 0.003%). This variant has not been reported in the literature in individuals affected with CRIPT-related conditions. Algorithms developed to predict the effect of missense changes on protein structure and function are either unavailable or do not agree on the potential impact of this missense change (SIFT: "Tolerated"; PolyPhen-2: "Probably Damaging"; Align-GVGD: "Class C0"). In summary, the available evidence is currently insufficient to determine the role of this variant in disease. Therefore, it has been classified as a Variant of Uncertain Significance.